The following is an entry in ClinVar:

NM_001110556.2(FLNA):c.5360G>C (p.Ser1787Thr)

Gene: FLNA (filamin A; minus strand). Cytogenetic location: Xq28.
Variant type: single nucleotide variant.
Coding change: c.5360G>C on transcript NM_001110556.2 (MANE Select); coding-DNA position 5360, G replaced by C.
Protein change: p.Ser1787Thr; replaces serine 1787 with threonine.
Molecular consequence: missense variant.
Genome position (GRCh38, 1-based): chrX:154,354,437, C>G on the plus strand (G>C on the coding strand, the complement: FLNA is on the minus strand). VCF-style: chrX-154354437-C-G. GRCh37 (hg19) VCF-style: chrX-153582805-C-G.
Other names: c.5336G>C, p.Ser1779Thr (NM_001456.4); short protein forms S1787T, S1779T.
Identifiers: ClinVar variation 1396408 (VCV001396408.6), dbSNP rs1557176461, ClinGen allele CA415205556.

ClinVar aggregate classification (germline): Uncertain significance (1 of 4 stars; one submission).

Conditions:
Heterotopia, periventricular, X-linked dominant (PVNH1). Also called: PERIVENTRICULAR NODULAR HETEROTOPIA 4; HETEROTOPIA, PERIVENTRICULAR, 1; PERIVENTRICULAR NODULAR HETEROTOPIA 1; X-linked periventricular heterotopia. Identifiers: Orphanet 2149, Orphanet 82004, MedGen C1848213, MONDO:0010233, OMIM 300049.
Melnick-Needles syndrome (MNS). Also called: MELNICK-NEEDLES OSTEODYSPLASTY; OSTEODYSPLASTY OF MELNICK AND NEEDLES; Melnick-Needles Syndrome (FLNA-MNS). Identifiers: Orphanet 2484, MedGen C0025237, MONDO:0010650, OMIM 309350.
Frontometaphyseal dysplasia (FMD1). Identifiers: Orphanet 1826, MedGen C0265293, MONDO:0015942.
Oto-palato-digital syndrome, type II (OPD2). Also called: FACIOPALATOOSSEOUS SYNDROME; OPD II SYNDROME; Otopalatodigital Syndrome, Type II; Otopalatodigital Syndrome Type 2 (FLNA-OPD2). Identifiers: Orphanet 669, Orphanet 90652, MedGen C1844696, MONDO:0010571, OMIM 304120.

Submission:

Labcorp Genetics (formerly Invitae), Labcorp
Classification: Uncertain significance for Oto-palato-digital syndrome, type II; Heterotopia, periventricular, X-linked dominant; Frontometaphyseal dysplasia; Melnick-Needles syndrome. Last evaluated: 2021-12-05. Review status: criteria provided, single submitter. Criteria: Invitae Variant Classification Sherloc (09022015). Collection method: clinical testing. Allele origin: germline.
Comment: This sequence change replaces serine, which is neutral and polar, with threonine, which is neutral and polar, at codon 1779 of the FLNA protein (p.Ser1779Thr). This variant is not present in population databases (gnomAD no frequency). This variant has not been reported in the literature in individuals affected with FLNA-related conditions. Advanced modeling of protein sequence and biophysical properties (such as structural, functional, and spatial information, amino acid conservation, physicochemical variation, residue mobility, and thermodynamic stability) performed at Invitae indicates that this missense variant is not expected to disrupt FLNA protein function. In summary, the available evidence is currently insufficient to determine the role of this variant in disease. Therefore, it has been classified as a Variant of Uncertain Significance.